The following is an entry in ClinVar:

NM_001004334.4(GPR179):c.4888G>A (p.Glu1630Lys)

Gene: GPR179 (G protein-coupled receptor 179; minus strand). Cytogenetic location: 17q12.
Variant type: single nucleotide variant.
Coding change: c.4888G>A on transcript NM_001004334.4 (MANE Select); coding-DNA position 4888, G replaced by A.
Protein change: p.Glu1630Lys; replaces glutamic acid 1630 with lysine.
Molecular consequence: missense variant.
Genome position (GRCh38, 1-based): chr17:38,328,681, C>T on the plus strand (G>A on the coding strand, the complement: GPR179 is on the minus strand). VCF-style: chr17-38328681-C-T. GRCh37 (hg19) VCF-style: chr17-36484564-C-T.
Other names: c.4888G>A (NM_001004334.3); short protein forms E1630K.
Identifiers: ClinVar variation 322983 (VCV000322983.15), dbSNP rs149998444, ClinGen allele CA10645560.

ClinVar aggregate classification (germline): Conflicting classifications of pathogenicity. Review status: criteria provided, conflicting classifications (1 of 4 stars). 4 submissions from 4 submitters: Uncertain significance (1); Benign (1); Likely benign (1). 1 of the submissions does not count toward it. Last evaluated 2026-02-02.

Conditions:
GPR179-related disorder. Also called: GPR179-related condition.
Congenital stationary night blindness 1E. Also called: Night blindness, congenital stationary (complete), 1E, autosomal recessive. Identifiers: Orphanet 215, MedGen C3281215, MONDO:0013807, OMIM 614565.

Allele frequency attached by ClinVar (database versions not stated): TOPMed 0.00015.
gnomAD v4.1: 306 of 1,614,110 alleles (0.019%); highest among the groups gnomAD compares: Non-Finnish European, 0.019%; no homozygotes.

Submissions (4):

Labcorp Genetics (formerly Invitae), Labcorp
Classification: Likely benign. Last evaluated: 2026-02-02. Review status: criteria provided, single submitter. Criteria: Invitae Variant Classification Sherloc (09022015). Collection method: clinical testing. Allele origin: germline.

Blueprint Genetics
Classification: Benign. Last evaluated: 2024-11-19. Review status: criteria provided, single submitter. Criteria: ACMG Guidelines, 2015. Collection method: clinical testing. Allele origin: germline.

Illumina Laboratory Services, Illumina
Classification: Uncertain significance for Congenital stationary night blindness 1E. Last evaluated: 2018-01-13. Review status: criteria provided, single submitter. Criteria: ICSL Variant Classification Criteria 13 December 2019. Collection method: clinical testing. Allele origin: germline.

PreventionGenetics, part of Exact Sciences
Classification: Likely benign for GPR179-related condition. Last evaluated: 2023-08-14. Review status: no assertion criteria provided. Collection method: clinical testing. Allele origin: germline. Not counted in ClinVar's aggregate classification.
Comment: This variant is classified as likely benign based on ACMG/AMP sequence variant interpretation guidelines (Richards et al. 2015 PMID: 25741868, with internal and published modifications).